The following is an entry in ClinVar:

ClinVar aggregate classification (germline): Uncertain significance (1 of 4 stars; one submission).

Submission:

Labcorp Genetics (formerly Invitae), Labcorp
Classification: Uncertain significance. Last evaluated: 2025-12-13. Review status: criteria provided, single submitter. Criteria: Invitae Variant Classification Sherloc (09022015). Collection method: clinical testing. Allele origin: germline.
Comment: This sequence change replaces lysine, which is basic and polar, with arginine, which is basic and polar, at codon 890 of the MAGEL2 protein (p.Lys890Arg). This variant is not present in population databases (gnomAD no frequency). This variant has not been reported in the literature in individuals affected with MAGEL2-related conditions. Invitae Evidence Modeling of protein sequence and biophysical properties (such as structural, functional, and spatial information, amino acid conservation, physicochemical variation, residue mobility, and thermodynamic stability) has been performed for this missense variant. However, the output from this modeling did not meet the statistical confidence thresholds required to predict the impact of this variant on MAGEL2 protein function. In summary, the available evidence is currently insufficient to determine the role of this variant in disease. Therefore, it has been classified as a Variant of Uncertain Significance.

NM_019066.5(MAGEL2):c.2669A>G (p.Lys890Arg)

Gene: MAGEL2 (MAGE family member L2; minus strand). Cytogenetic location: 15q11.2.
Variant type: single nucleotide variant.
Coding change: c.2669A>G on transcript NM_019066.5 (MANE Select); coding-DNA position 2669, A replaced by G.
Protein change: p.Lys890Arg; replaces lysine 890 with arginine.
Molecular consequence: missense variant.
Genome position (GRCh38, 1-based): chr15:23,645,074, T>C on the plus strand (A>G on the coding strand, the complement: MAGEL2 is on the minus strand). VCF-style: chr15-23645074-T-C. GRCh37 (hg19) VCF-style: chr15-23890221-T-C.
Other names: short protein forms K890R.
Identifiers: ClinVar variation 4742820 (VCV004742820.1).